The following is an entry in ClinVar:

ClinVar aggregate classification (germline): Uncertain significance (1 of 4 stars; one submission).

Conditions:
SCAPER-related disorder. Also called: SCAPER-related condition.

gnomAD v4.1: 8 of 1,613,112 alleles (0.0005%); highest among the groups gnomAD compares: Non-Finnish European, 0.00068%; no homozygotes.

Submission:

PreventionGenetics, part of Exact Sciences
Classification: Uncertain significance for SCAPER-related condition. Last evaluated: 2025-04-30. Review status: criteria provided, single submitter. Criteria: ACMG Guidelines, 2015. Collection method: clinical testing. Allele origin: germline.
Comment: The SCAPER c.1214T>C variant is predicted to result in the amino acid substitution p.Ile405Thr. To our knowledge, this variant has not been reported in the literature or in a large population database (gnomAD), indicating this variant is rare. At this time, the clinical significance of this variant is uncertain due to the absence of conclusive functional and genetic evidence.

NM_020843.4(SCAPER):c.1214T>C (p.Ile405Thr)

Gene: SCAPER (S-phase cyclin A associated protein in the ER; minus strand). Cytogenetic location: 15q24.3.
Variant type: single nucleotide variant.
Coding change: c.1214T>C on transcript NM_020843.4 (MANE Select); coding-DNA position 1214, T replaced by C.
Protein change: p.Ile405Thr; replaces isoleucine 405 with threonine.
Molecular consequence: missense variant. On other transcripts: non-coding transcript variant (1).
Genome position (GRCh38, 1-based): chr15:76,771,776, A>G on the plus strand (T>C on the coding strand, the complement: SCAPER is on the minus strand). VCF-style: chr15-76771776-A-G. GRCh37 (hg19) VCF-style: chr15-77064117-A-G.
Other names: c.476T>C, p.Ile159Thr (NM_001145923.2); c.1214T>C, p.Ile405Thr (NM_001353009.2); c.812T>C, p.Ile271Thr (NM_001353010.2, NM_001353011.2, NM_001353012.2); short protein forms I271T, I159T, I405T.
Identifiers: ClinVar variation 4981999 (VCV004981999.1).